The following is an entry in ClinVar:

ClinVar aggregate classification (germline): Uncertain significance (1 of 4 stars; one submission).

Conditions:
Familial thoracic aortic aneurysm and aortic dissection (TAAD). Also called: Thoracic aortic aneurysms and dissections. Identifiers: Orphanet 91387, MedGen C4707243, MONDO:0019625.

gnomAD v4.1: 4 of 1,613,982 alleles (0.00025%); highest among the groups gnomAD compares: African/African-American, 0.0013%; no homozygotes.

Submission:

Color Diagnostics, LLC DBA Color Health
Classification: Uncertain significance for Familial thoracic aortic aneurysm and aortic dissection. Last evaluated: 2025-05-25. Review status: criteria provided, single submitter. Criteria: ACMG Guidelines, 2015. Collection method: clinical testing. Allele origin: germline.
Comment: This missense variant replaces glutamine with glutamic acid at codon 1127 of the COL3A1 protein. Computational prediction is inconclusive regarding the impact of this variant on protein structure and function. To our knowledge, functional studies have not been reported for this variant. This variant has not been reported in individuals affected with COL3A1-related disorders in the literature. This variant has been identified in 1/251372 chromosomes in the general population by the Genome Aggregation Database (gnomAD). The available evidence is insufficient to determine the role of this variant in disease conclusively. Therefore, this variant is classified as a Variant of Uncertain Significance.

NM_000090.4(COL3A1):c.3379C>G (p.Gln1127Glu)

Gene: COL3A1 (collagen type III alpha 1 chain; plus strand). Cytogenetic location: 2q32.2.
Variant type: single nucleotide variant.
Coding change: c.3379C>G on transcript NM_000090.4 (MANE Select); coding-DNA position 3379, C replaced by G.
Protein change: p.Gln1127Glu; replaces glutamine 1127 with glutamic acid.
Molecular consequence: missense variant.
Genome position (GRCh38, 1-based): chr2:189,007,900, C>G. VCF-style: chr2-189007900-C-G. GRCh37 (hg19) VCF-style: chr2-189872626-C-G.
Other names: short protein forms Q1127E.
Identifiers: ClinVar variation 4758539 (VCV004758539.1).